The following is an entry in ClinVar:

ClinVar aggregate classification (germline): Conflicting classifications of pathogenicity. Review status: criteria provided, conflicting classifications (1 of 4 stars). 2 submissions from 2 submitters: Uncertain significance (1); Likely benign (1). Last evaluated 2025-11-28.

Conditions:
Arrhythmogenic right ventricular dysplasia 13. Also called: Arrhythmogenic right ventricular dysplasia, familial, 13; ARRHYTHMOGENIC RIGHT VENTRICULAR CARDIOMYOPATHY 13. Identifiers: MedGen C3810138, MONDO:0000908, OMIM 615616.

Allele frequency attached by ClinVar (database versions not stated): ExAC 0.00003; gnomAD exomes 0.00006; TOPMed 0.00009; gnomAD 0.00010; 1000 Genomes Project 30x 0.00047; 1000 Genomes Project 0.00060.
gnomAD v4.1: 35 of 1,614,020 alleles (0.0022%); highest among the groups gnomAD compares: East Asian, 0.071%; no homozygotes.

Submissions (2):

Labcorp Genetics (formerly Invitae), Labcorp
Classification: Uncertain significance for Arrhythmogenic right ventricular dysplasia 13. Last evaluated: 2025-11-28. Review status: criteria provided, single submitter. Criteria: Invitae Variant Classification Sherloc (09022015). Collection method: clinical testing. Allele origin: germline.
Comment: This sequence change replaces methionine, which is neutral and non-polar, with isoleucine, which is neutral and non-polar, at codon 737 of the CTNNA3 protein (p.Met737Ile). This variant is present in population databases (rs192848934, gnomAD 0.07%), and has an allele count higher than expected for a pathogenic variant. This missense change has been observed in individual(s) with cardiomyopathy (PMID: 33497884). ClinVar contains an entry for this variant (Variation ID: 643288). Invitae Evidence Modeling of protein sequence and biophysical properties (such as structural, functional, and spatial information, amino acid conservation, physicochemical variation, residue mobility, and thermodynamic stability) indicates that this missense variant is not expected to disrupt CTNNA3 protein function with a negative predictive value of 80%. In summary, the available evidence is currently insufficient to determine the role of this variant in disease. Therefore, it has been classified as a Variant of Uncertain Significance.

Blueprint Genetics
Classification: Likely benign. Last evaluated: 2024-03-05. Review status: criteria provided, single submitter. Criteria: ACMG Guidelines, 2015. Collection method: clinical testing. Allele origin: germline.

Literature cited by the submitters: PubMed 33497884 (cited by Labcorp Genetics (formerly Invitae), Labcorp).

NM_013266.4(CTNNA3):c.2211G>C (p.Met737Ile)

Gene: CTNNA3 (catenin alpha 3; minus strand). Cytogenetic location: 10q21.3.
Variant type: single nucleotide variant.
Coding change: c.2211G>C on transcript NM_013266.4 (MANE Select); coding-DNA position 2211, G replaced by C.
Protein change: p.Met737Ile; replaces methionine 737 with isoleucine.
Molecular consequence: missense variant.
Genome position (GRCh38, 1-based): chr10:65,988,746, C>G on the plus strand (G>C on the coding strand, the complement: CTNNA3 is on the minus strand). VCF-style: chr10-65988746-C-G. GRCh37 (hg19) VCF-style: chr10-67748504-C-G.
Other names: c.2211G>C, p.Met737Ile (NM_001127384.3); short protein forms M737I.
Identifiers: ClinVar variation 643288 (VCV000643288.10), dbSNP rs192848934, ClinGen allele CA5519664.
Genomic context (GRCh38, chr10:65,988,746, plus strand): 5'-ACTCACCTGATTAGCAATCTGCCGAGCAAGGACATCCATCCTTGATCCTGATTCTGATAT[C>G]ATTTTCGCTGCATAGATCACATCAGTTGTATGCTTTAGTGGTCCTTTGCCCCTGGAAAAA-3'
Protein context (NP_037398.2, residues 727-747): HTTDVIYAAK[Met737Ile]ISESGSRMDV